The following is an entry in ClinVar:

NM_020738.4(KIDINS220):c.3233C>T (p.Ala1078Val)

Gene: KIDINS220 (kinase D interacting substrate 220; minus strand). Cytogenetic location: 2p25.1.
Variant type: single nucleotide variant.
Coding change: c.3233C>T on transcript NM_020738.4 (MANE Select); coding-DNA position 3233, C replaced by T.
Protein change: p.Ala1078Val; replaces alanine 1078 with valine.
Molecular consequence: missense variant. On other transcripts: non-coding transcript variant (2).
Genome position (GRCh38, 1-based): chr2:8,750,293, G>A on the plus strand (C>T on the coding strand, the complement: KIDINS220 is on the minus strand). VCF-style: chr2-8750293-G-A. GRCh37 (hg19) VCF-style: chr2-8890423-G-A.
Other names: c.3236C>T, p.Ala1079Val (NM_001348729.2, NM_001348731.2, NM_001348734.2 and 2 more transcripts); c.3233C>T, p.Ala1078Val (NM_001348732.2, NM_001348735.2, NM_001348738.2 and 3 more transcripts); c.3107C>T, p.Ala1036Val (NM_001348736.2); short protein forms A1036V, A1078V, A1079V.
Identifiers: ClinVar variation 3350599 (VCV003350599.2).

ClinVar aggregate classification (germline): Uncertain significance. Review status: criteria provided, single submitter (1 of 4 stars). 2 submissions from 2 submitters: Uncertain significance (1). 1 of the submissions does not count toward it. Last evaluated 2025-03-13.

Conditions:
KIDINS220-related disorder. Also called: KIDINS220-related condition.

gnomAD v4.1: 94 of 1,612,164 alleles (0.0058%); highest among the groups gnomAD compares: Non-Finnish European, 0.0075%; no homozygotes.

Submissions (2):

Labcorp Genetics (formerly Invitae), Labcorp
Classification: Uncertain significance. Last evaluated: 2025-03-13. Review status: criteria provided, single submitter. Criteria: Invitae Variant Classification Sherloc (09022015). Collection method: clinical testing. Allele origin: germline.
Comment: This sequence change replaces alanine, which is neutral and non-polar, with valine, which is neutral and non-polar, at codon 1078 of the KIDINS220 protein (p.Ala1078Val). This variant is present in population databases (rs753644163, gnomAD 0.01%). This variant has not been reported in the literature in individuals affected with KIDINS220-related conditions. ClinVar contains an entry for this variant (Variation ID: 3350599). An algorithm developed to predict the effect of missense changes on protein structure and function (PolyPhen-2) suggests that this variant is likely to be tolerated. In summary, the available evidence is currently insufficient to determine the role of this variant in disease. Therefore, it has been classified as a Variant of Uncertain Significance.

PreventionGenetics, part of Exact Sciences
Classification: Uncertain significance for KIDINS220-related condition. Last evaluated: 2024-06-21. Review status: no assertion criteria provided. Collection method: clinical testing. Allele origin: germline. Not counted in ClinVar's aggregate classification.
Comment: The KIDINS220 c.3233C>T variant is predicted to result in the amino acid substitution p.Ala1078Val. To our knowledge, this variant has not been reported in the literature. This variant is reported in 0.010% of alleles in individuals of East Asian descent in gnomAD. At this time, the clinical significance of this variant is uncertain due to the absence of conclusive functional and genetic evidence.